The following is an entry in ClinVar:

ClinVar aggregate classification (germline): Pathogenic/Likely pathogenic. Review status: criteria provided, multiple submitters, no conflicts (2 of 4 stars). 7 submissions from 7 submitters: Pathogenic (4); Likely pathogenic (2). 1 of the submissions does not count toward it. Last evaluated 2025-08-22.

Conditions:
RET-related disorder. Also called: RET-related disorders; RET-related condition; RET-related disease.
Hereditary cancer-predisposing syndrome. Also called: Neoplastic Syndromes, Hereditary; Hereditary neoplastic syndrome; Tumor predisposition; Hereditary Cancer Syndrome. Identifiers: Orphanet 140162, MedGen C0027672, MeSH D009386, MONDO:0015356.
Multiple endocrine neoplasia, type 2 (MEN2). Identifiers: Orphanet 653, MedGen C4048306, MONDO:0019003. Disease mechanism: gain of function.
Aganglionic megacolon (HSCR). Also called: Hirschsprung's disease; Hirschsprung disease. Identifiers: Orphanet 388, MedGen C0019569, MeSH D006627, MONDO:0018309, HP:0002251.
Multiple endocrine neoplasia type 2A. Also called: Multiple Endocrine Neoplasia Type 2A (MEN2A); MULTIPLE ENDOCRINE NEOPLASIA, TYPE IIA; PTC SYNDROME; SIPPLE SYNDROME; MEN 2A; MEN-2A syndrome. Identifiers: Orphanet 247698, Orphanet 653, MedGen C0025268, MeSH D018813, MONDO:0008234, OMIM 171400.

Submissions (7):

GeneDx
Classification: Pathogenic. Last evaluated: 2025-08-22. Review status: criteria provided, single submitter. Criteria: GeneDx Variant Classification Process June 2021. Collection method: clinical testing. Allele origin: germline.
Comment: Not observed at significant frequency in large population cohorts (gnomAD); In silico analysis supports that this missense variant has a deleterious effect on protein structure/function; This variant is associated with the following publications: (PMID: 8807338, 23744765, 30763276, 30624503, 27809725, 12686527, 38027168, 30031151, 39489747, 25810047, 19029228, 30013307, 30911297, 28018431, 29590403, 14633923, 8557249, 11688458, 20979234, 23407919, 25379023)

Quest Diagnostics Nichols Institute San Juan Capistrano
Classification: Pathogenic. Last evaluated: 2025-08-13. Review status: criteria provided, single submitter. Criteria: Quest Diagnostics criteria. Collection method: clinical testing. Allele origin: unknown.
Comment: The RET c.1831T>C (p.Cys611Arg) variant alters a critical location within the protein and is expected to severely affect function and cause disease. This variant has been reported in the published literature in individuals with medullary thyroid cancer (PMID: 9068588 (1997), 21422198 (2011), 28018431 (2016), 30624503 (2018), 38027168 (2023)), Hirschsprung disease (PMID: 23744765 (2013), 30031151 (2019)), and pheochromocytoma (PMID: 19029228 (2009)). This variant has not been reported in large, multi-ethnic general populations (Genome Aggregation Database). Based on the available information, this variant is classified as pathogenic.

Myriad Genetics, Inc.
Classification: Likely pathogenic for Multiple endocrine neoplasia type 2A. Last evaluated: 2025-03-27. Review status: criteria provided, single submitter. Criteria: Myriad Autosomal Dominant, Autosomal Recessive and X-Linked Classification Criteria (2023). Collection method: clinical testing. Allele origin: unknown.
Comment: This variant is considered likely pathogenic. This variant has been reported in multiple individuals with clinical features of gene-specific disease [PMID: 23744765, 28018431, 19029228, 30624503, 38027168, Myriad internal data, 19469690].

Labcorp Genetics (formerly Invitae), Labcorp
Classification: Pathogenic for Multiple endocrine neoplasia, type 2. Last evaluated: 2023-10-22. Review status: criteria provided, single submitter. Criteria: Invitae Variant Classification Sherloc (09022015). Collection method: clinical testing. Allele origin: germline.
Comment: This sequence change replaces cysteine, which is neutral and slightly polar, with arginine, which is basic and polar, at codon 611 of the RET protein (p.Cys611Arg). This variant is not present in population databases (gnomAD no frequency). This missense change has been observed in individuals with clinical features of multiple endocrine neoplasia type 2 (PMID: 8807338, 12686527, 19029228, 23744765, 28018431, 30031151, 30624503; Invitae). ClinVar contains an entry for this variant (Variation ID: 24896). An algorithm developed to predict the effect of missense changes on protein structure and function (PolyPhen-2) suggests that this variant is likely to be disruptive. This variant disrupts the p.Cys611 amino acid residue in RET. Other variant(s) that disrupt this residue have been determined to be pathogenic (PMID: 8765374, 9230192, 16712668, 28099363). This suggests that this residue is clinically significant, and that variants that disrupt this residue are likely to be disease-causing. For these reasons, this variant has been classified as Pathogenic.

Ambry Genetics
Classification: Likely pathogenic for Hereditary cancer-predisposing syndrome. Last evaluated: 2023-10-11. Review status: criteria provided, single submitter. Criteria: Ambry Variant Classification Scheme 2023. Collection method: clinical testing. Allele origin: germline.
Comment: The p.C611R variant (also known as c.1831T>C), located in coding exon 10 of the RET gene, results from a T to C substitution at nucleotide position 1831. The cysteine at codon 611 is replaced by arginine, an amino acid with highly dissimilar properties. This alteration has been observed in multiple individuals with a personal and/or family history that is consistent with RET-related disease, including medullary thyroid cancer and pheochromocytoma (Virtanen VB et al. Endocr Relat Cancer, 2013 Aug;20:595-602; Calvo J et al. J Cancer Epidemiol, 2016 Nov;2016:9637173; Martins-Costa MC et al. Arch Endocrinol Metab, 2018;62:623-635). Several other alterations at the same codon (p.C611F, p.C611Y, p.C611S, p.C611W, and p.C611G) have been described in individuals with MEN2A and FMTC. The American Thyroid Association Guidelines Task Force has provided recommendations for individuals with RET gene mutations (Kloos et al. Thyroid. 2009 June; 19(6):565-612). This variant is considered to be rare based on population cohorts in the Genome Aggregation Database (gnomAD). This amino acid position is highly conserved in available vertebrate species. In addition, this alteration is predicted to be deleterious by in silico analysis. Based on the supporting evidence, this variant is likely pathogenic for MEN2; however, the association of this alteration with Hirschsprung disease is unknown.

Blueprint Genetics
Classification: Pathogenic for RET-related disorders. Last evaluated: 2019-10-28. Review status: criteria provided, single submitter. Criteria: ACMG Guidelines, 2015. Collection method: clinical testing. Allele origin: germline. Affected: yes. Observed: 3 variant alleles.

Human Genomics Unit, Institute for molecular medicine Finland (FIMM)
Classification: Likely pathogenic for Hirschsprung disease. Last evaluated: 2013-01-01. Review status: no assertion criteria provided. Collection method: research. Allele origin: unknown. Affected: yes. Observed: 1 variant allele. Not counted in ClinVar's aggregate classification.

Literature cited by the submitters: PubMed 23744765 (cited by 3 submitters); PubMed 28018431 (cited by 3 submitters); PubMed 19029228 (cited by Myriad Genetics, Inc. and Labcorp Genetics (formerly Invitae), Labcorp); PubMed 30624503 (cited by 3 submitters); PubMed 38027168 (cited by Myriad Genetics, Inc.); PubMed 19469690 (cited by Myriad Genetics, Inc.); PubMed 8807338 (cited by Labcorp Genetics (formerly Invitae), Labcorp); PubMed 12686527 (cited by Labcorp Genetics (formerly Invitae), Labcorp); PubMed 30031151 (cited by Labcorp Genetics (formerly Invitae), Labcorp); PubMed 8765374 (cited by Labcorp Genetics (formerly Invitae), Labcorp); PubMed 9230192 (cited by Labcorp Genetics (formerly Invitae), Labcorp); PubMed 16712668 (cited by Labcorp Genetics (formerly Invitae), Labcorp); PubMed 28099363 (cited by Labcorp Genetics (formerly Invitae), Labcorp).

NM_020975.6(RET):c.1831T>C (p.Cys611Arg)

Gene: RET (ret proto-oncogene; plus strand). Cytogenetic location: 10q11.21.
Variant type: single nucleotide variant.
Coding change: c.1831T>C on transcript NM_020975.6 (MANE Select); coding-DNA position 1831, T replaced by C.
Protein change: p.Cys611Arg; replaces cysteine 611 with arginine.
Molecular consequence: missense variant.
Genome position (GRCh38, 1-based): chr10:43,113,627, T>C. VCF-style: chr10-43113627-T-C. GRCh37 (hg19) VCF-style: chr10-43609075-T-C.
Other names: c.1831T>C, p.Cys611Arg (NM_000323.2, NM_001406743.1, NM_001406744.1 and 6 more transcripts); c.1069T>C, p.Cys357Arg (NM_001355216.2); c.1702T>C, p.Cys568Arg (NM_001406761.1, NM_001406762.1, NM_001406764.1 and 1 more transcripts); c.1543T>C, p.Cys515Arg (NM_001406766.1, NM_001406767.1, NM_001406770.1); c.1435T>C, p.Cys479Arg (NM_001406769.1, NM_001406772.1); c.1393T>C, p.Cys465Arg (NM_001406771.1, NM_001406773.1); c.1306T>C, p.Cys436Arg (NM_001406774.1); c.1105T>C, p.Cys369Arg (NM_001406775.1, NM_001406776.1, NM_001406777.1 and 1 more transcripts); and 5 more; short protein forms C357R, C281R, C479R, C216R, C515R, C568R, C269R, C312R.
Identifiers: ClinVar variation 24896 (VCV000024896.16), dbSNP rs377767391, ClinGen allele CA007873.